The following is an entry in ClinVar:

NM_001378120.1(MBD5):c.753AAG[1] (p.Arg252del)

Gene: MBD5 (methyl-CpG binding domain protein 5; plus strand). Cytogenetic location: 2q23.1.
Variant type: Microsatellite.
Coding change: c.753AAG[1] on transcript NM_001378120.1 (MANE Select); one copy of the 3-base unit AAG starting at c.753; the reference has two copies in a row; one copy, 3 bases deleted.
Protein change: p.Arg252del; deletes arginine 252.
Molecular consequence: inframe deletion.
Genome position (GRCh38, 1-based): chr2:148,468,699-148,468,701, AAG deleted; deleting any 3 consecutive bases within chr2:148,468,696-148,468,701 gives the same sequence; the position shown is the placement nearest the transcript's 3' end. VCF-style (leftmost placement, unchanged base first): chr2-148468695-CAAG-C. GRCh37 (hg19) VCF-style: chr2-149226264-CAAG-C.
Other names: c.756_758del (NM_018328.4); c.753AAG[1], p.Arg252del (NM_018328.5); short protein forms R252del.
Identifiers: ClinVar variation 2571085 (VCV002571085.30), dbSNP rs1680677591, ClinGen allele CA1296773295.

ClinVar aggregate classification (germline): Uncertain significance. Review status: criteria provided, multiple submitters, no conflicts (2 of 4 stars). 3 submissions from 3 submitters: Uncertain significance (3). Last evaluated 2024-08-15.

Conditions:
Intellectual developmental disorder, autosomal dominant 1. Also called: MBD5 Haploinsufficiency; Intellectual disability, autosomal dominant 1. Identifiers: Orphanet 228402, MedGen C1969562, MONDO:0007974, OMIM 156200.

Submissions (3):

Labcorp Genetics (formerly Invitae), Labcorp
Classification: Uncertain significance for Intellectual developmental disorder, autosomal dominant 1. Last evaluated: 2024-08-15. Review status: criteria provided, single submitter. Criteria: Invitae Variant Classification Sherloc (09022015). Collection method: clinical testing. Allele origin: germline.
Comment: This variant, c.756_758del, results in the deletion of 1 amino acid(s) of the MBD5 protein (p.Arg252del), but otherwise preserves the integrity of the reading frame. This variant is not present in population databases (gnomAD no frequency). This variant has not been reported in the literature in individuals affected with MBD5-related conditions. Experimental studies and prediction algorithms are not available or were not evaluated, and the functional significance of this variant is currently unknown. In summary, the available evidence is currently insufficient to determine the role of this variant in disease. Therefore, it has been classified as a Variant of Uncertain Significance.

GeneDx
Classification: Uncertain significance. Last evaluated: 2023-10-20. Review status: criteria provided, single submitter. Criteria: GeneDx Variant Classification Process June 2021. Collection method: clinical testing. Allele origin: germline. Affected: yes.
Comment: Not observed at significant frequency in large population cohorts (gnomAD); In-frame deletion of 1 amino acid in a non-repeat region; In silico analysis supports a deleterious effect on protein structure/function; Has not been previously published as pathogenic or benign to our knowledge

CeGaT Center for Human Genetics Tuebingen
Classification: Uncertain significance. Last evaluated: 2023-05-01. Review status: criteria provided, single submitter. Criteria: CeGaT Center For Human Genetics Tuebingen Variant Classification Criteria Version 2. Collection method: clinical testing. Allele origin: germline. Affected: yes. Observed: 2 variant alleles.
Comment: MBD5: PM2